The following is an entry in ClinVar:

NM_000293.3(PHKB):c.16G>A (p.Gly6Arg)

Genes: PHKB (phosphorylase kinase regulatory subunit beta; plus strand), LOC130058947 (ATAC-STARR-seq lymphoblastoid silent region 7451; plus strand). Cytogenetic location: 16q12.1.
Variant type: single nucleotide variant.
Coding change: c.16G>A on transcript NM_000293.3 (MANE Select); coding-DNA position 16, G replaced by A.
Protein change: p.Gly6Arg; replaces glycine 6 with arginine.
Molecular consequence: missense variant. On other transcripts: 5 prime UTR variant (1).
Genome position (GRCh38, 1-based): chr16:47,461,366, G>A. VCF-style: chr16-47461366-G-A. GRCh37 (hg19) VCF-style: chr16-47495277-G-A.
Other names: c.-118G>A (NM_001031835.3); c.16G>A, p.Gly6Arg (NM_001363837.1); short protein forms G6R.
Identifiers: ClinVar variation 2063999 (VCV002063999.1), dbSNP rs747468650, ClinGen allele CA8040305.

ClinVar aggregate classification (germline): Uncertain significance (1 of 4 stars; one submission).

Conditions:
Glycogen storage disease IXb (GSD9B). Also called: GLYCOGENOSIS OF LIVER AND MUSCLE, AUTOSOMAL RECESSIVE; GSD IXb; PHOSPHORYLASE KINASE DEFICIENCY OF LIVER AND MUSCLE, AUTOSOMAL RECESSIVE. Identifiers: Orphanet 79240, MedGen C0543514, MONDO:0009868, OMIM 261750.

Allele frequency attached by ClinVar (database versions not stated): gnomAD 0.00002; TOPMed 0.00002; ExAC 0.00006.
gnomAD v4.1: 29 of 1,611,494 alleles (0.0018%); highest among the groups gnomAD compares: Non-Finnish European, 0.0023%; no homozygotes.

Submission:

Labcorp Genetics (formerly Invitae), Labcorp
Classification: Uncertain significance for Glycogen storage disease IXb. Last evaluated: 2022-06-08. Review status: criteria provided, single submitter. Criteria: Invitae Variant Classification Sherloc (09022015). Collection method: clinical testing. Allele origin: germline.
Comment: This sequence change replaces glycine, which is neutral and non-polar, with arginine, which is basic and polar, at codon 6 of the PHKB protein (p.Gly6Arg). This variant is present in population databases (rs747468650, gnomAD 0.005%). This variant has not been reported in the literature in individuals affected with PHKB-related conditions. Algorithms developed to predict the effect of missense changes on protein structure and function (SIFT, PolyPhen-2, Align-GVGD) all suggest that this variant is likely to be tolerated. In summary, the available evidence is currently insufficient to determine the role of this variant in disease. Therefore, it has been classified as a Variant of Uncertain Significance.